The following is an entry in ClinVar:

NM_004311.4(ARL3):c.522C>T (p.Cys174=)

Gene: ARL3 (ARF like GTPase 3; minus strand). Cytogenetic location: 10q24.32.
Variant type: single nucleotide variant.
Coding change: c.522C>T on transcript NM_004311.4 (MANE Select); coding-DNA position 522, C replaced by T.
Protein change: p.Cys174=; no amino-acid change (cysteine 174 retained).
Molecular consequence: synonymous variant.
Genome position (GRCh38, 1-based): chr10:102,676,921, G>A on the plus strand (C>T on the coding strand, the complement: ARL3 is on the minus strand). VCF-style: chr10-102676921-G-A. GRCh37 (hg19) VCF-style: chr10-104436678-G-A.
Identifiers: ClinVar variation 2129550 (VCV002129550.4), dbSNP rs1336605220, ClinGen allele CA471286021.

ClinVar aggregate classification (germline): Uncertain significance (1 of 4 stars; one submission).

Allele frequency attached by ClinVar (database versions not stated): gnomAD exomes below 0.00001.
gnomAD v4.1: 1 of 1,614,146 alleles (0.000062%); highest among the groups gnomAD compares: East Asian, 0.0022%; no homozygotes.

Submission:

Labcorp Genetics (formerly Invitae), Labcorp
Classification: Uncertain significance. Last evaluated: 2022-09-27. Review status: criteria provided, single submitter. Criteria: Invitae Variant Classification Sherloc (09022015). Collection method: clinical testing. Allele origin: germline.
Comment: In summary, the available evidence is currently insufficient to determine the role of this variant in disease. Therefore, it has been classified as a Variant of Uncertain Significance. Algorithms developed to predict the effect of sequence changes on RNA splicing suggest that this variant may disrupt the consensus splice site. This variant has not been reported in the literature in individuals affected with ARL3-related conditions. This variant is present in population databases (no rsID available, gnomAD 0.006%). This sequence change affects codon 174 of the ARL3 mRNA. It is a 'silent' change, meaning that it does not change the encoded amino acid sequence of the ARL3 protein.